The following is an entry in ClinVar:

NM_001354930.2(RIPK1):c.22A>G (p.Asn8Asp)

Gene: RIPK1 (receptor interacting serine/threonine kinase 1; plus strand). Cytogenetic location: 6p25.2.
Variant type: single nucleotide variant.
Coding change: c.22A>G on transcript NM_001354930.2 (MANE Select); coding-DNA position 22, A replaced by G.
Protein change: p.Asn8Asp; replaces asparagine 8 with aspartic acid.
Molecular consequence: missense variant. On other transcripts: 5 prime UTR variant (4).
Genome position (GRCh38, 1-based): chr6:3,076,845, A>G. VCF-style: chr6-3076845-A-G. GRCh37 (hg19) VCF-style: chr6-3077079-A-G.
Other names: c.-582A>G (NM_001317061.3, NM_001354932.2, NM_001354933.2 and 1 more transcripts); c.22A>G, p.Asn8Asp (NM_001354931.2, NM_003804.6); short protein forms N8D.
Identifiers: ClinVar variation 3649833 (VCV003649833.2).

ClinVar aggregate classification (germline): Uncertain significance (1 of 4 stars; one submission).

Submission:

Labcorp Genetics (formerly Invitae), Labcorp
Classification: Uncertain significance. Last evaluated: 2024-06-03. Review status: criteria provided, single submitter. Criteria: Invitae Variant Classification Sherloc (09022015). Collection method: clinical testing. Allele origin: germline.
Comment: This sequence change replaces asparagine, which is neutral and polar, with aspartic acid, which is acidic and polar, at codon 8 of the RIPK1 protein (p.Asn8Asp). This variant is not present in population databases (gnomAD no frequency). This variant has not been reported in the literature in individuals affected with RIPK1-related conditions. Algorithms developed to predict the effect of missense changes on protein structure and function output the following: SIFT: "Not Available"; PolyPhen-2: "Benign"; Align-GVGD: "Not Available". The aspartic acid amino acid residue is found in multiple mammalian species, which suggests that this missense change does not adversely affect protein function. In summary, the available evidence is currently insufficient to determine the role of this variant in disease. Therefore, it has been classified as a Variant of Uncertain Significance.